The following is an entry in ClinVar:

ClinVar aggregate classification (germline): Conflicting classifications of pathogenicity. Review status: criteria provided, conflicting classifications (1 of 4 stars). 4 submissions from 4 submitters: Uncertain significance (1); Likely benign (2). 1 of the submissions does not count toward it. Last evaluated 2024-12-04.

Conditions:
ESPN-related disorder. Also called: ESPN-related condition.

Allele frequency attached by ClinVar (database versions not stated): gnomAD exomes 0.00007 and 0.00017; ExAC 0.00021; ESP Exome Variant Server 0.00039; gnomAD 0.00066 and 0.00070; TOPMed 0.00074; 1000 Genomes Project 0.00120; 1000 Genomes Project 30x 0.00156.
gnomAD v4.1: 196 of 1,569,924 alleles (0.012%); highest among the groups gnomAD compares: African/African-American, 0.24%; no homozygotes.

Submissions (4):

Labcorp Genetics (formerly Invitae), Labcorp
Classification: Likely benign. Last evaluated: 2024-12-04. Review status: criteria provided, single submitter. Criteria: Invitae Variant Classification Sherloc (09022015). Collection method: clinical testing. Allele origin: germline.

Blueprint Genetics
Classification: Uncertain significance. Last evaluated: 2024-05-29. Review status: criteria provided, single submitter. Criteria: ACMG Guidelines, 2015. Collection method: clinical testing. Allele origin: germline.

Breakthrough Genomics
Classification: Likely benign. Review status: criteria provided, single submitter. Criteria: ACMG Guidelines, 2015. Collection method: not provided. Allele origin: germline. Inheritance: Autosomal recessive inheritance. Affected: yes.

PreventionGenetics, part of Exact Sciences
Classification: Likely benign for ESPN-related condition. Last evaluated: 2023-06-29. Review status: no assertion criteria provided. Collection method: clinical testing. Allele origin: germline. Not counted in ClinVar's aggregate classification.
Comment: This variant is classified as likely benign based on ACMG/AMP sequence variant interpretation guidelines (Richards et al. 2015 PMID: 25741868, with internal and published modifications).

NM_031475.3(ESPN):c.2284A>T (p.Met762Leu)

Gene: ESPN (espin; plus strand). Cytogenetic location: 1p36.31.
Variant type: single nucleotide variant.
Coding change: c.2284A>T on transcript NM_031475.3 (MANE Select); coding-DNA position 2284, A replaced by T.
Protein change: p.Met762Leu; replaces methionine 762 with leucine.
Molecular consequence: missense variant.
Genome position (GRCh38, 1-based): chr1:6,452,055, A>T. VCF-style: chr1-6452055-A-T. GRCh37 (hg19) VCF-style: chr1-6512115-A-T.
Other names: c.2194A>T, p.Met732Leu (NM_001367473.1); c.2221A>T, p.Met741Leu (NM_001367474.1); short protein forms M762L, M732L, M741L.
Identifiers: ClinVar variation 728920 (VCV000728920.12), dbSNP rs140592848, ClinGen allele CA560445.